The following is an entry in ClinVar:

ClinVar aggregate classification (germline): Uncertain significance (1 of 4 stars; one submission).

Submission:

Ambry Genetics
Classification: Uncertain significance. Last evaluated: 2025-09-10. Review status: criteria provided, single submitter. Criteria: Ambry Variant Classification Scheme 2023. Collection method: clinical testing. Allele origin: germline.
Comment: The p.R1691S variant (also known as c.5073G>C), located in coding exon 22 of the WNK2 gene, results from a G to C substitution at nucleotide position 5073. The arginine at codon 1691 is replaced by serine, an amino acid with dissimilar properties. This amino acid position is conserved. In addition, this alteration is predicted to be tolerated by in silico analysis. Based on the available evidence, the clinical significance of this variant remains unclear.

NM_006648.4(WNK2):c.5073G>C (p.Arg1691Ser)

Gene: WNK2 (WNK lysine deficient protein kinase 2; plus strand). Cytogenetic location: 9q22.31.
Variant type: single nucleotide variant.
Coding change: c.5073G>C on transcript NM_006648.4 (MANE Select); coding-DNA position 5073, G replaced by C.
Protein change: p.Arg1691Ser; replaces arginine 1691 with serine.
Molecular consequence: missense variant.
Genome position (GRCh38, 1-based): chr9:93,292,538, G>C. VCF-style: chr9-93292538-G-C. GRCh37 (hg19) VCF-style: chr9-96054820-G-C.
Other names: c.5184G>C, p.Arg1728Ser (NM_001282394.3); short protein forms R1691S, R1728S.
Identifiers: ClinVar variation 4201892 (VCV004201892.1).